The following is an entry in ClinVar:

NM_001399.5(EDA):c.1009G>T (p.Glu337Ter)

Gene: EDA (ectodysplasin A; plus strand). Cytogenetic location: Xq13.1.
Variant type: single nucleotide variant.
Coding change: c.1009G>T on transcript NM_001399.5 (MANE Select); coding-DNA position 1009, G replaced by T.
Protein change: p.Glu337Ter; replaces glutamic acid 337 with a stop codon.
Molecular consequence: nonsense.
Genome position (GRCh38, 1-based): chrX:70,035,442, G>T. VCF-style: chrX-70035442-G-T. GRCh37 (hg19) VCF-style: chrX-69255292-G-T.
Other names: c.1003G>T, p.Glu335Ter (NM_001005609.2); c.994G>T, p.Glu332Ter (NM_001005612.3); short protein forms E332*, E335*, E337*.
Identifiers: ClinVar variation 1072863 (VCV001072863.9), dbSNP rs191378148, ClinGen allele CA413449810.

ClinVar aggregate classification (germline): Pathogenic (1 of 4 stars; one submission).

Conditions:
Hypohidrotic X-linked ectodermal dysplasia (XHED). Also called: ECTODERMAL DYSPLASIA 1; ECTODERMAL DYSPLASIA 1, HYPOHIDROTIC, X-LINKED; ECTODERMAL DYSPLASIA 1, HYPOHIDROTIC/HAIR/TOOTH TYPE, X-LINKED; Christ-Siemans-Touraine syndrome; Anhidrotic ectodermal dysplasia X-linked; Christ Siemens Touraine syndrome. Identifiers: Orphanet 181, Orphanet 238468, MedGen C0162359, MONDO:0010585, OMIM 305100.

Submission:

Labcorp Genetics (formerly Invitae), Labcorp
Classification: Pathogenic for Hypohidrotic X-linked ectodermal dysplasia. Last evaluated: 2020-10-11. Review status: criteria provided, single submitter. Criteria: Invitae Variant Classification Sherloc (09022015). Collection method: clinical testing. Allele origin: germline.
Comment: This sequence change results in a premature translational stop signal in the EDA gene (p.Glu337*). While this is not anticipated to result in nonsense mediated decay, it is expected to disrupt the last 55 amino acid(s) of the EDA protein. This variant is not present in population databases (ExAC no frequency). This variant has been observed in individual(s) with ectodermal dysplasia (PMID: 27305980). This variant disrupts the C-terminus of the EDA protein. Other variant(s) that disrupt this region (p.Ala367Valfs*10) have been determined to be pathogenic (Invitae). This suggests that variants that disrupt this region of the protein are likely to be causative of disease. For these reasons, this variant has been classified as Pathogenic.

Literature cited by the submitters: PubMed 27305980.